The following is an entry in ClinVar:

NM_033026.6(PCLO):c.3187A>G (p.Lys1063Glu)

Gene: PCLO (piccolo presynaptic cytomatrix protein; minus strand). Cytogenetic location: 7q21.11.
Variant type: single nucleotide variant.
Coding change: c.3187A>G on transcript NM_033026.6 (MANE Select); coding-DNA position 3187, A replaced by G.
Protein change: p.Lys1063Glu; replaces lysine 1063 with glutamic acid.
Molecular consequence: missense variant.
Genome position (GRCh38, 1-based): chr7:83,134,363, T>C on the plus strand (A>G on the coding strand, the complement: PCLO is on the minus strand). VCF-style: chr7-83134363-T-C. GRCh37 (hg19) VCF-style: chr7-82763679-T-C.
Other names: c.3187A>G, p.Lys1063Glu (NM_014510.3); short protein forms K1063E.
Identifiers: ClinVar variation 1359101 (VCV001359101.6), dbSNP rs777280437, ClinGen allele CA4321124.
Genomic context (GRCh38, chr7:83,134,363, plus strand): 5'-TGCATTCAGTGCAAGTATTGAAGTTAGGAGGATCCTTAGAACCTATGTTGAGTTCAGTTT[T>C]GCAGAGAGGACAGGTTGATTCTGGTTTGGGCGATTTCTCCAGTTTTGTGGGAAGGACAGC-3'
Protein context (NP_149015.2, residues 1053-1073): PKPESTCPLC[Lys1063Glu]TELNIGSKDP

ClinVar aggregate classification (germline): Uncertain significance (1 of 4 stars; one submission).

Allele frequency attached by ClinVar (database versions not stated): TOPMed below 0.00001; ExAC 0.00001; gnomAD exomes 0.00001 and 0.00003.
gnomAD v4.1: 6 of 1,613,658 alleles (0.00037%); highest among the groups gnomAD compares: Admixed American, 0.01%; no homozygotes.

Submission:

Labcorp Genetics (formerly Invitae), Labcorp
Classification: Uncertain significance. Last evaluated: 2024-02-24. Review status: criteria provided, single submitter. Criteria: Invitae Variant Classification Sherloc (09022015). Collection method: clinical testing. Allele origin: germline.
Comment: This sequence change replaces lysine, which is basic and polar, with glutamic acid, which is acidic and polar, at codon 1063 of the PCLO protein (p.Lys1063Glu). This variant is present in population databases (rs777280437, gnomAD 0.02%). This variant has not been reported in the literature in individuals affected with PCLO-related conditions. ClinVar contains an entry for this variant (Variation ID: 1359101). Experimental studies and prediction algorithms are not available or were not evaluated, and the functional significance of this variant is currently unknown. In summary, the available evidence is currently insufficient to determine the role of this variant in disease. Therefore, it has been classified as a Variant of Uncertain Significance.